The following is an entry in ClinVar:

NM_031935.3(HMCN1):c.5078G>C (p.Gly1693Ala)

Gene: HMCN1 (hemicentin 1; plus strand). Cytogenetic location: 1q31.1.
Variant type: single nucleotide variant.
Coding change: c.5078G>C on transcript NM_031935.3 (MANE Select); coding-DNA position 5078, G replaced by C.
Protein change: p.Gly1693Ala; replaces glycine 1693 with alanine.
Molecular consequence: missense variant.
Genome position (GRCh38, 1-based): chr1:186,016,126, G>C. VCF-style: chr1-186016126-G-C. GRCh37 (hg19) VCF-style: chr1-185985258-G-C.
Other names: short protein forms G1693A.
Identifiers: ClinVar variation 2992136 (VCV002992136.3), dbSNP rs2527528950, ClinGen allele CA343888307.

ClinVar aggregate classification (germline): Uncertain significance (1 of 4 stars; one submission).

gnomAD v4.1: 4 of 1,613,490 alleles (0.00025%); highest among the groups gnomAD compares: Non-Finnish European, 0.00034%; no homozygotes.

Submission:

Labcorp Genetics (formerly Invitae), Labcorp
Classification: Uncertain significance. Last evaluated: 2023-08-10. Review status: criteria provided, single submitter. Criteria: Invitae Variant Classification Sherloc (09022015). Collection method: clinical testing. Allele origin: germline.
Comment: An algorithm developed to predict the effect of missense changes on protein structure and function (PolyPhen-2) suggests that this variant is likely to be disruptive. In summary, the available evidence is currently insufficient to determine the role of this variant in disease. Therefore, it has been classified as a Variant of Uncertain Significance. This variant has not been reported in the literature in individuals affected with HMCN1-related conditions. This sequence change replaces glycine, which is neutral and non-polar, with alanine, which is neutral and non-polar, at codon 1693 of the HMCN1 protein (p.Gly1693Ala). This variant is not present in population databases (gnomAD no frequency).